The following is an entry in ClinVar:

NM_001848.3(COL6A1):c.1273-8C>T

Gene: COL6A1 (collagen type VI alpha 1 chain; plus strand). Cytogenetic location: 21q22.3.
Variant type: single nucleotide variant.
Coding change: c.1273-8C>T on transcript NM_001848.3 (MANE Select); 8 bases into the intron before coding-DNA position 1273, C replaced by T.
Molecular consequence: intron variant.
Genome position (GRCh38, 1-based): chr21:45,992,740, C>T. VCF-style: chr21-45992740-C-T. GRCh37 (hg19) VCF-style: chr21-47412654-C-T.
Other names: p.?.
Identifiers: ClinVar variation 93808 (VCV000093808.27), dbSNP rs7280215, ClinGen allele CA147315.

ClinVar aggregate classification (germline): Benign/Likely benign. Review status: criteria provided, multiple submitters, no conflicts (2 of 4 stars). 10 submissions from 10 submitters: Benign (9); Likely benign (1). Last evaluated 2026-01-28.

Conditions:
Bethlem myopathy 1A. Also called: Bethlem myopathy 1; Bethlem Muscular Dystrophy; MYOPATHY, BENIGN CONGENITAL, WITH CONTRACTURES. Identifiers: Orphanet 610, MedGen CN029274, MONDO:0024530, OMIM 158810.
Ullrich congenital muscular dystrophy 1A. Also called: Ullrich congenital muscular dystrophy 1; Intermediate COL6-RD. Identifiers: Orphanet 75840, MedGen C0410179, MONDO:0009681, OMIM 254090.
Collagen 6-related myopathy. Identifiers: MedGen CN117976, MONDO:0100225.

Allele frequency attached by ClinVar (database versions not stated): gnomAD exomes 0.00597 and 0.00243; 1000 Genomes Project 30x 0.02061; gnomAD 0.02362 and 0.02565; ESP Exome Variant Server 0.02656; ExAC 0.01683; 1000 Genomes Project 0.01897; TOPMed 0.02676.
gnomAD v4.1: 7,264 of 1,585,536 alleles (0.46%); highest among the groups gnomAD compares: African/African-American, 8.3%; 272 homozygotes.

Submissions (10):

Labcorp Genetics (formerly Invitae), Labcorp
Classification: Benign for Bethlem myopathy 1A. Last evaluated: 2026-01-28. Review status: criteria provided, single submitter. Criteria: Invitae Variant Classification Sherloc (09022015). Collection method: clinical testing. Allele origin: germline.

Athena Diagnostics
Classification: Benign. Last evaluated: 2024-08-30. Review status: criteria provided, single submitter. Criteria: Athena Diagnostics Criteria. Collection method: clinical testing. Allele origin: unknown.

Fulgent Genetics
Classification: Likely benign for Bethlem myopathy 1A; Ullrich congenital muscular dystrophy 1A. Last evaluated: 2022-05-17. Review status: criteria provided, single submitter. Criteria: ACMG Guidelines, 2015. Collection method: clinical testing. Allele origin: unknown.

Mayo Clinic Laboratories, Mayo Clinic
Classification: Benign. Last evaluated: 2019-04-24. Review status: criteria provided, single submitter. Criteria: ACMG Guidelines, 2015. Collection method: clinical testing. Allele origin: germline. Observed: 7 variant alleles.

Illumina Laboratory Services, Illumina
Classification: Benign for Collagen VI-related myopathy. Last evaluated: 2018-01-12. Review status: criteria provided, single submitter. Criteria: ICSL Variant Classification Criteria 13 December 2019. Collection method: clinical testing. Allele origin: germline.
Comment: This variant was observed in the ICSL laboratory as part of a predisposition screen in an ostensibly healthy population. It had not been previously curated by ICSL or reported in the Human Gene Mutation Database (HGMD: prior to June 1st, 2018), and was therefore a candidate for classification through an automated scoring system. Utilizing variant allele frequency, disease prevalence and penetrance estimates, and inheritance mode, an automated score was calculated to assess if this variant is too frequent to cause the disease. Based on the score and internal cut-off values, a variant classified as benign is not then subjected to further curation. The score for this variant resulted in a classification of benign for this disease.

GeneDx
Classification: Benign. Last evaluated: 2016-07-19. Review status: criteria provided, single submitter. Criteria: GeneDx Variant Classification (06012015). Collection method: clinical testing. Allele origin: germline. Affected: yes.
Comment: This variant is considered likely benign or benign based on one or more of the following criteria: it is a conservative change, it occurs at a poorly conserved position in the protein, it is predicted to be benign by multiple in silico algorithms, and/or has population frequency not consistent with disease.

Genetic Services Laboratory, University of Chicago
Classification: Benign for AllHighlyPenetrant. Last evaluated: 2013-08-15. Review status: criteria provided, single submitter. Criteria: ACMG Guidelines, 2007. Collection method: clinical testing. Allele origin: germline.

Eurofins Ntd Llc (ga)
Classification: Benign. Last evaluated: 2012-08-27. Review status: criteria provided, single submitter. Criteria: EGL Classification Definitions 2015. Collection method: clinical testing. Allele origin: germline. Observed: 2 variant alleles, 2 heterozygotes.

Breakthrough Genomics
Classification: Benign. Review status: criteria provided, single submitter. Criteria: ACMG Guidelines, 2015. Collection method: not provided. Allele origin: germline. Inheritance: Autosomal recessive inheritance. Affected: yes.

PreventionGenetics, part of Exact Sciences
Classification: Benign. Review status: criteria provided, single submitter. Criteria: ACMG Guidelines, 2015. Collection method: clinical testing. Allele origin: germline.